The following is an entry in ClinVar:

NM_144573.4(NEXN):c.680T>C (p.Leu227Ser)

Gene: NEXN (nexilin F-actin binding protein; plus strand). Cytogenetic location: 1p31.1.
Variant type: single nucleotide variant.
Coding change: c.680T>C on transcript NM_144573.4 (MANE Select); coding-DNA position 680, T replaced by C.
Protein change: p.Leu227Ser; replaces leucine 227 with serine.
Molecular consequence: missense variant.
Genome position (GRCh38, 1-based): chr1:77,926,604, T>C. VCF-style: chr1-77926604-T-C. GRCh37 (hg19) VCF-style: chr1-78392289-T-C.
Other names: c.488T>C, p.Leu163Ser (NM_001172309.2); short protein forms L227S, L163S.
Identifiers: ClinVar variation 431969 (VCV000431969.10), dbSNP rs756273801, ClinGen allele CA918700.

ClinVar aggregate classification (germline): Uncertain significance. Review status: criteria provided, multiple submitters, no conflicts (2 of 4 stars). 2 submissions from 2 submitters: Uncertain significance (2). Last evaluated 2019-01-14.

Conditions:
Hypertrophic cardiomyopathy 20. Identifiers: MedGen C3151267, MONDO:0013477, OMIM 613876.
Dilated cardiomyopathy 1CC (CMD1CC). Identifiers: Orphanet 154, MedGen C2751084, MONDO:0013147, OMIM 613122.

Allele frequency attached by ClinVar (database versions not stated): gnomAD 0.00001; gnomAD exomes 0.00001 and 0.00002; TOPMed 0.00001; ExAC 0.00002.
gnomAD v4.1: 4 of 1,613,810 alleles (0.00025%); highest among the groups gnomAD compares: East Asian, 0.0067%; no homozygotes.

Submissions (2):

Labcorp Genetics (formerly Invitae), Labcorp
Classification: Uncertain significance for Dilated cardiomyopathy 1CC; Hypertrophic cardiomyopathy 20. Last evaluated: 2019-01-14. Review status: criteria provided, single submitter. Criteria: Invitae Variant Classification Sherloc (09022015). Collection method: clinical testing. Allele origin: germline.
Comment: In summary, the available evidence is currently insufficient to determine the role of this variant in disease. Therefore, it has been classified as a Variant of Uncertain Significance. This variant has been reported to affect NEXN protein function (PMID:¬¨‚Ä†24866383). This variant has been observed in an individual affected with a secundum atrial septal defect (PMID:¬¨‚Ä†24866383). ClinVar contains an entry for this variant (Variation ID: 431969). This variant is present in population databases (rs756273801, ExAC 0.01%). This sequence change replaces leucine with serine at codon 227 of the NEXN protein (p.Leu227Ser). The leucine residue is moderately conserved and there is a large physicochemical difference between leucine and serine.

GeneDx
Classification: Uncertain significance. Last evaluated: 2017-06-08. Review status: criteria provided, single submitter. Criteria: GeneDx Variant Classification (06012015). Collection method: clinical testing. Allele origin: germline. Affected: yes.
Comment: The L227S variant in the NEXN gene has been reported previously as homozygous in an individual with secundum atrial septal defect without cardiomyopathy (Yang et al., 2014). The L227S variant is observed in 1/8618 (0.01%) alleles from individuals of East Asian background in the ExAC dataset (Lek et al., 2016). The L227S variant is a non-conservative amino acid substitution, which is likely to impact secondary protein structure as these residues differ in polarity, charge, size and/or other properties. However, this substitution occurs at a position that is not conserved, and in silico analysis predicts this variant likely does not alter the protein structure/function. We interpret L227S as a variant of uncertain significance.